The following is an entry in ClinVar:

NM_006904.7(PRKDC):c.10684T>A (p.Leu3562Met)

Gene: PRKDC (protein kinase, DNA-activated, catalytic subunit; minus strand). Cytogenetic location: 8q11.21.
Variant type: single nucleotide variant.
Coding change: c.10684T>A on transcript NM_006904.7 (MANE Select); coding-DNA position 10684, T replaced by A.
Protein change: p.Leu3562Met; replaces leucine 3562 with methionine.
Molecular consequence: missense variant.
Genome position (GRCh38, 1-based): chr8:47,789,225, A>T on the plus strand (T>A on the coding strand, the complement: PRKDC is on the minus strand). VCF-style: chr8-47789225-A-T. GRCh37 (hg19) VCF-style: chr8-48701786-A-T.
Other names: c.10684T>A, p.Leu3562Met (NM_001081640.2); short protein forms L3562M.
Identifiers: ClinVar variation 440194 (VCV000440194.25), dbSNP rs8178232, ClinGen allele CA4739269.

ClinVar aggregate classification (germline): Benign/Likely benign. Review status: criteria provided, multiple submitters, no conflicts (2 of 4 stars). 5 submissions from 5 submitters: Benign (3); Likely benign (2). Last evaluated 2026-08-01.

Conditions:
Severe combined immunodeficiency due to DNA-PKcs deficiency. Also called: IMMUNODEFICIENCY 26 WITH NEUROLOGIC ABNORMALITIES; Immunodeficiency 26 with or without neurologic abnormalities. Identifiers: Orphanet 317425, MedGen C4014833, MONDO:0014423, OMIM 615966.

Allele frequency attached by ClinVar (database versions not stated): 1000 Genomes Project 0.00699; 1000 Genomes Project 30x 0.00718; gnomAD exomes 0.00746; ESP Exome Variant Server 0.00051; gnomAD 0.00453 and 0.00482; ExAC 0.00625; TOPMed 0.00677.
gnomAD v4.1: 3,540 of 1,585,258 alleles (0.22%); highest among the groups gnomAD compares: Admixed American, 3.5%; 75 homozygotes.

Submissions (5):

CeGaT Center for Human Genetics Tuebingen
Classification: Benign. Last evaluated: 2026-08-01. Review status: criteria provided, single submitter. Criteria: CeGaT Center For Human Genetics Tuebingen Variant Classification Criteria Version 2. Collection method: clinical testing. Allele origin: germline. Affected: yes. Observed: 3 variant alleles.
Comment: PRKDC: BP4, BS1, BS2

Labcorp Genetics (formerly Invitae), Labcorp
Classification: Benign for Severe combined immunodeficiency due to DNA-PKcs deficiency. Last evaluated: 2026-02-03. Review status: criteria provided, single submitter. Criteria: Invitae Variant Classification Sherloc (09022015). Collection method: clinical testing. Allele origin: germline.

ARUP Laboratories, Molecular Genetics and Genomics, ARUP Laboratories
Classification: Likely benign for Severe combined immunodeficiency due to DNA-PKcs deficiency. Last evaluated: 2023-09-06. Review status: criteria provided, single submitter. Criteria: ARUP Molecular Germline Variant Investigation Process 2024. Collection method: clinical testing. Allele origin: germline.

GeneDx
Classification: Benign. Last evaluated: 2018-09-27. Review status: criteria provided, single submitter. Criteria: GeneDx Variant Classification Process June 2021. Collection method: clinical testing. Allele origin: germline. Affected: yes.

Breakthrough Genomics
Classification: Likely benign. Review status: criteria provided, single submitter. Criteria: ACMG Guidelines, 2015. Collection method: not provided. Allele origin: germline. Inheritance: Autosomal recessive inheritance. Affected: yes.